The following is an entry in ClinVar:

NM_002907.4(RECQL):c.1828C>A (p.Gln610Lys)

Genes: PYROXD1 (pyridine nucleotide-disulphide oxidoreductase domain 1; plus strand), RECQL (RecQ like helicase; minus strand). Cytogenetic location: 12p12.1.
Variant type: single nucleotide variant.
Coding change: c.1828C>A on transcript NM_002907.4 (MANE Select); coding-DNA position 1828, C replaced by A.
Protein change: p.Gln610Lys; replaces glutamine 610 with lysine.
Molecular consequence: missense variant. On other transcripts: 3 prime UTR variant (3).
Genome position (GRCh38, 1-based): chr12:21,470,316, G>T on the plus strand (C>A on the coding strand, the complement: RECQL is on the minus strand). VCF-style: chr12-21470316-G-T. GRCh37 (hg19) VCF-style: chr12-21623250-G-T.
Other names: c.1828C>A, p.Gln610Lys (NM_032941.3); c.*1562G>T (NM_001350912.2, NM_001350913.2, NM_024854.5); short protein forms Q610K.
Identifiers: ClinVar variation 1447519 (VCV001447519.7), dbSNP rs1591964872, ClinGen allele CA384113968.

ClinVar aggregate classification (germline): Uncertain significance. Review status: criteria provided, multiple submitters, no conflicts (2 of 4 stars). 2 submissions from 2 submitters: Uncertain significance (2). Last evaluated 2023-11-17.

Allele frequency attached by ClinVar (database versions not stated): gnomAD 0.00001.

Submissions (2):

Ambry Genetics
Classification: Uncertain significance. Last evaluated: 2023-11-17. Review status: criteria provided, single submitter. Criteria: Ambry Variant Classification Scheme 2023. Collection method: clinical testing. Allele origin: germline.
Comment: The p.Q610K variant (also known as c.1828C>A), located in coding exon 14 of the RECQL gene, results from a C to A substitution at nucleotide position 1828. The glutamine at codon 610 is replaced by lysine, an amino acid with similar properties. This amino acid position is conserved. In addition, this alteration is predicted to be tolerated by in silico analysis. Since supporting evidence is limited at this time, the clinical significance of this alteration remains unclear.

Labcorp Genetics (formerly Invitae), Labcorp
Classification: Uncertain significance. Last evaluated: 2021-09-08. Review status: criteria provided, single submitter. Criteria: Invitae Variant Classification Sherloc (09022015). Collection method: clinical testing. Allele origin: germline.
Comment: This sequence change replaces glutamine with lysine at codon 610 of the RECQL protein (p.Gln610Lys). The glutamine residue is weakly conserved and there is a small physicochemical difference between glutamine and lysine. This variant is not present in population databases (ExAC no frequency). This variant has not been reported in the literature in individuals affected with RECQL-related conditions. Algorithms developed to predict the effect of missense changes on protein structure and function (SIFT, PolyPhen-2, Align-GVGD) all suggest that this variant is likely to be tolerated. In summary, the available evidence is currently insufficient to determine the role of this variant in disease. Therefore, it has been classified as a Variant of Uncertain Significance.